The following is an entry in ClinVar:

ClinVar aggregate classification (germline): Conflicting classifications of pathogenicity. Review status: criteria provided, conflicting classifications (1 of 4 stars). 3 submissions from 3 submitters: Likely pathogenic (1); Uncertain significance (2). Last evaluated 2024-05-30.

Conditions:
Autosomal dominant nonsyndromic hearing loss 4A. Also called: Deafness, autosomal dominant 4A. Identifiers: Orphanet 90635, MedGen C1833503, MONDO:0010915, OMIM 600652.

Allele frequency attached by ClinVar (database versions not stated): ExAC 0.00003; gnomAD exomes 0.00003 and 0.00004; TOPMed 0.00003; gnomAD 0.00006 and 0.00007.
gnomAD v4.1: 57 of 1,586,656 alleles (0.0036%); highest among the groups gnomAD compares: Middle Eastern, 0.022%; no homozygotes.

Submissions (3):

Laboratory of Prof. Karen Avraham, Tel Aviv University
Classification: Likely pathogenic for Autosomal dominant nonsyndromic hearing loss 4A. Last evaluated: 2024-05-30. Review status: criteria provided, single submitter. Criteria: ACMG Guidelines, 2015. Collection method: research. Allele origin: germline. Affected: yes. Observed: 1 variant allele.
Comment: A very rare variant predicted to cause damage by most prediction programs.

DFNA4A; high-tone normal-profound HL

GeneDx
Classification: Uncertain significance. Last evaluated: 2021-03-16. Review status: criteria provided, single submitter. Criteria: GeneDx Variant Classification Process June 2021. Collection method: clinical testing. Allele origin: germline. Affected: yes.
Comment: In silico analysis supports that this missense variant has a deleterious effect on protein structure/function; Has not been previously published as pathogenic or benign to our knowledge

Laboratory for Molecular Medicine, Mass General Brigham Personalized Medicine
Classification: Uncertain significance. Last evaluated: 2016-03-01. Review status: criteria provided, single submitter. Criteria: LMM Criteria. Collection method: clinical testing. Allele origin: germline. Observed: 2 variant alleles.
Comment: The p.Glu1433Lys variant in MYH14 has not been previously reported in individual s with hearing loss, but has been identified in 3/59206 European chromosomes by the Exome Aggregation Consortium (ExAC; dbSNP rs 771755654). Although this variant has been seen in the general population, its f requency is not high enough to rule out a pathogenic role. Computational predict ion tools and conservation analyses suggest that the p.Glu1433Lys variant may im pact the protein, though this information is not predictive enough to determine pathogenicity. In summary, the clinical significance of the p.Glu1433Lys variant is uncertain.

NM_001145809.2(MYH14):c.4297G>A (p.Glu1433Lys)

Gene: MYH14 (myosin heavy chain 14; plus strand). Cytogenetic location: 19q13.33.
Variant type: single nucleotide variant.
Coding change: c.4297G>A on transcript NM_001145809.2 (MANE Select); coding-DNA position 4297, G replaced by A.
Protein change: p.Glu1433Lys; replaces glutamic acid 1433 with lysine.
Molecular consequence: missense variant.
Genome position (GRCh38, 1-based): chr19:50,281,600, G>A. VCF-style: chr19-50281600-G-A. GRCh37 (hg19) VCF-style: chr19-50784857-G-A.
Other names: c.4198G>A, p.Glu1400Lys (NM_001077186.2); c.4174G>A, p.Glu1392Lys (NM_024729.4); short protein forms E1433K, E1400K, E1392K.
Identifiers: ClinVar variation 228877 (VCV000228877.7), dbSNP rs771755654, ClinGen allele CA9593478.